The following is an entry in ClinVar:

NM_003242.6(TGFBR2):c.78G>T (p.Pro26=)

Gene: TGFBR2 (transforming growth factor beta receptor 2; plus strand). Cytogenetic location: 3p24.1.
Variant type: single nucleotide variant.
Coding change: c.78G>T on transcript NM_003242.6 (MANE Select); coding-DNA position 78, G replaced by T.
Protein change: p.Pro26=; no amino-acid change (proline 26 retained).
Molecular consequence: synonymous variant. On other transcripts: 5 prime UTR variant (4), intron variant (2).
Genome position (GRCh38, 1-based): chr3:30,606,961, G>T. VCF-style: chr3-30606961-G-T. GRCh37 (hg19) VCF-style: chr3-30648453-G-T.
Other names: c.78G>T (NM_003242.5); c.78G>T, p.Pro26= (NM_001024847.3, NM_001407126.1, NM_001407127.1 and 4 more transcripts); c.-206G>T (NM_001407133.1); c.-84G>T (NM_001407134.1); c.-131G>T (NM_001407135.1); c.-216G>T (NM_001407136.1); c.-12+368G>T (NM_001407129.1, NM_001407132.1).
Identifiers: ClinVar variation 1964030 (VCV001964030.6), dbSNP rs753781287, ClinGen allele CA433010154.

ClinVar aggregate classification (germline): Likely benign. Review status: criteria provided, multiple submitters, no conflicts (2 of 4 stars). 2 submissions from 2 submitters: Likely benign (2). Last evaluated 2026-08-11.

Conditions:
Familial thoracic aortic aneurysm and aortic dissection (TAAD). Also called: Thoracic aortic aneurysms and dissections. Identifiers: Orphanet 91387, MedGen C4707243, MONDO:0019625.
TGFBR2-related disorder. Also called: TGFBR2-related condition.

Submissions (2):

PreventionGenetics, part of Exact Sciences
Classification: Likely benign for TGFBR2-related condition. Last evaluated: 2026-08-11. Review status: criteria provided, single submitter. Criteria: ACMG Guidelines, 2015. Collection method: clinical testing. Allele origin: germline.
Comment: This variant is classified as likely benign based on ACMG/AMP sequence variant interpretation guidelines (Richards et al. 2015 PMID: 25741868, with internal and published modifications).

Labcorp Genetics (formerly Invitae), Labcorp
Classification: Likely benign for Familial thoracic aortic aneurysm and aortic dissection. Last evaluated: 2023-12-09. Review status: criteria provided, single submitter. Criteria: Invitae Variant Classification Sherloc (09022015). Collection method: clinical testing. Allele origin: germline.